The following is an entry in ClinVar:

NM_001384125.1(BLTP1):c.12546_12547del (p.Glu4182fs)

Gene: BLTP1 (bridge-like lipid transfer protein family member 1; plus strand). Cytogenetic location: 4q27.
Variant type: Microsatellite.
Coding change: c.12546_12547del on transcript NM_001384125.1 (MANE Select); coding-DNA positions 12546 to 12547, 2 bases deleted (GA; older notation c.12546_12547delGA).
Protein change: p.Glu4182fs; shifts the reading frame from glutamic acid 4182.
Molecular consequence: frameshift variant.
Genome position (GRCh38, 1-based): chr4:122,339,338-122,339,339, GA deleted; deleting any 2 consecutive bases within chr4:122,339,335-122,339,339 gives the same sequence; the c. name uses the placement nearest the transcript's 3' end. VCF-style (leftmost placement, unchanged base first): chr4-122339334-CAG-C. GRCh37 (hg19) VCF-style: chr4-123260489-CAG-C.
Other names: c.12282_12283delGA (NM_015312.4); c.12282_12283del, p.Glu4094fs (NM_015312.4); short protein forms E4094fs, E4182fs.
Identifiers: ClinVar variation 4535598 (VCV004535598.2).

ClinVar aggregate classification (germline): Pathogenic (1 of 4 stars; one submission).

Conditions:
Alkuraya-Kucinskas syndrome. Identifiers: Orphanet 610569, MedGen C4693347, MONDO:0060631, OMIM 617822.

Submission:

Women's Health and Genetics/Laboratory Corporation of America, LabCorp
Classification: Pathogenic for Alkuraya-Kucinskas syndrome. Last evaluated: 2026-02-16. Review status: criteria provided, single submitter. Criteria: LabCorp Variant Classification Summary - May 2015. Collection method: clinical testing. Allele origin: germline.
Comment: Variant summary: BLTP1 c.12282_12283delGA (p.Glu4094AspfsX7) results in a premature termination codon, predicted to cause a truncation of the encoded protein or absence of the protein due to nonsense mediated decay, which are commonly known mechanisms for disease. The variant was absent in 249024 control chromosomes. To our knowledge, no occurrence of c.12282_12283delGA in individuals affected with BLTP1-related conditions and no experimental evidence demonstrating its impact on protein function have been reported. No submitters have cited clinical-significance assessments for this variant to ClinVar. Based on the evidence outlined above, the variant was classified as pathogenic.